The following is an entry in ClinVar:

ClinVar aggregate classification (germline): Uncertain significance (1 of 4 stars; one submission).

Submission:

Women's Health and Genetics/Laboratory Corporation of America, LabCorp
Classification: Uncertain significance. Last evaluated: 2023-12-13. Review status: criteria provided, single submitter. Criteria: LabCorp Variant Classification Summary - May 2015. Collection method: clinical testing. Allele origin: germline.
Comment: Variant summary: The variant involves the deletion of exons 1-3 in the LYRM4 gene. A presumed nomenclature of c.(?_-218)_(*1005_?)del has been designated for the purposes of this classification. This deletion includes the entire coding sequence of the gene, however current evidence is not sufficient to establish loss-of-function as causative of disease for LYRM4. As the exact proximal and distal breakpoints are unknown, this deletion may extend beyond the annotated region of the gene to include other flanking genes. The variant was absent in 21694 control chromosomes (gnomAD, structural variants dataset). The available data on variant occurrences in the general population are insufficient to allow any conclusion about variant significance. To our knowledge, no occurrence of c.(?_-218)_(*1005_?)del in individuals affected with Combined Oxidative Phosphorylation Deficiency and no experimental evidence demonstrating its impact on protein function have been reported. No submitters have cited clinical-significance assessments for this variant to ClinVar after 2014. Based on the evidence outlined above, the variant was classified as uncertain significance.

NC_000006.11:g.(?_5108652)_(5261184_?)del

Gene: LYRM4 (LYR motif containing 4; minus strand). Cytogenetic location: 6p25.1.
Variant type: Deletion.
Identifiers: ClinVar variation 2691678 (VCV002691678.1).